The following is an entry in ClinVar:

NM_080732.4(EGLN2):c.799T>C (p.Cys267Arg)

Genes: EGLN2 (egl-9 family hypoxia inducible factor 2; plus strand), RAB4B-EGLN2 (RAB4B-EGLN2 readthrough (NMD candidate); plus strand). Cytogenetic location: 19q13.2.
Variant type: single nucleotide variant.
Coding change: c.799T>C on transcript NM_080732.4 (MANE Select); coding-DNA position 799, T replaced by C.
Protein change: p.Cys267Arg; replaces cysteine 267 with arginine.
Molecular consequence: missense variant. On other transcripts: non-coding transcript variant (1).
Genome position (GRCh38, 1-based): chr19:40,801,371, T>C. VCF-style: chr19-40801371-T-C. GRCh37 (hg19) VCF-style: chr19-41307276-T-C.
Other names: c.799T>C, p.Cys267Arg (NM_053046.4); short protein forms C267R.
Identifiers: ClinVar variation 1761557 (VCV001761557.2), dbSNP rs2515995704, ClinGen allele CA405956000.
Genomic context (GRCh38, chr19:40,801,371, plus strand): 5'-GAACCAGGCTGTCGAAGCATTGGTGCCCTCATGGCCCATGTGGACGCCGTCATCCGCCAC[T>C]GCGCAGGGCGGCTGGGCAGCTATGTCATCAACGGGCGCACCAAGGTAAGGCTAGGTGGGG-3'
Protein context (NP_542770.2, residues 257-277): MAHVDAVIRH[Cys267Arg]AGRLGSYVIN

ClinVar aggregate classification (germline): Uncertain significance (1 of 4 stars; one submission).

Submission:

Ambry Genetics
Classification: Uncertain significance. Last evaluated: 2021-11-05. Review status: criteria provided, single submitter. Criteria: Ambry Variant Classification Scheme 2023. Collection method: clinical testing. Allele origin: germline.
Comment: The p.C267R variant (also known as c.799T>C), located in coding exon 1 of the EGLN2 gene, results from a T to C substitution at nucleotide position 799. The cysteine at codon 267 is replaced by arginine, an amino acid with highly dissimilar properties. This amino acid position is conserved. In addition, the in silico prediction for this alteration is inconclusive. Since supporting evidence is limited at this time, the clinical significance of this alteration remains unclear.